The following is an entry in ClinVar:

NM_004006.3(DMD):c.38G>A (p.Arg13Lys)

Gene: DMD (dystrophin; minus strand). Cytogenetic location: Xp21.1.
Variant type: single nucleotide variant.
Coding change: c.38G>A on transcript NM_004006.3 (MANE Select); coding-DNA position 38, G replaced by A.
Protein change: p.Arg13Lys; replaces arginine 13 with lysine.
Molecular consequence: missense variant. On other transcripts: 5 prime UTR variant (1).
Genome position (GRCh38, 1-based): chrX:33,020,194, C>T on the plus strand (G>A on the coding strand, the complement: DMD is on the minus strand). VCF-style: chrX-33020194-C-T. GRCh37 (hg19) VCF-style: chrX-33038311-C-T.
Other names: p.A620A:GCG>GCA; c.14G>A, p.Arg5Lys (NM_000109.4); c.26G>A, p.Arg9Lys (NM_004009.3); c.-332G>A (NM_004010.3); c.38G>A (NM_004006.2); short protein forms R13K, R5K, R9K.
Identifiers: ClinVar variation 137109 (VCV000137109.2), dbSNP rs587780918, ClinGen allele CA290627.

ClinVar aggregate classification (germline): Benign. Review status: criteria provided, single submitter (1 of 4 stars). 2 submissions from 2 submitters: Benign (1). 1 of the submissions does not count toward it. Last evaluated 2014-05-15.

Conditions:
Becker muscular dystrophy, Cardiomyopathy, Duchenne muscular dystrophy, Dystrophin deficiency.

Submissions (2):

GeneDx
Classification: Benign. Last evaluated: 2014-05-15. Review status: criteria provided, single submitter. Criteria: GeneDx Variant Classification (06012015). Collection method: clinical testing. Allele origin: germline.
Comment: The variant is found in CARDIOMYOPATHY panel(s).

Natera, Inc.
Classification: Uncertain significance for Becker muscular dystrophy, Cardiomyopathy, Duchenne muscular dystrophy, Dystrophin deficiency. Last evaluated: 2025-05-03. Review status: no assertion criteria provided. Collection method: clinical testing. Allele origin: germline. Not counted in ClinVar's aggregate classification.